The following is an entry in ClinVar:

NM_004924.6(ACTN4):c.415G>A (p.Ala139Thr)

Gene: ACTN4 (actinin alpha 4; plus strand). Cytogenetic location: 19q13.2.
Variant type: single nucleotide variant.
Coding change: c.415G>A on transcript NM_004924.6 (MANE Select); coding-DNA position 415, G replaced by A.
Protein change: p.Ala139Thr; replaces alanine 139 with threonine.
Molecular consequence: missense variant.
Genome position (GRCh38, 1-based): chr19:38,704,951, G>A. VCF-style: chr19-38704951-G-A. GRCh37 (hg19) VCF-style: chr19-39195591-G-A.
Other names: c.415G>A (NM_004924.4); c.415G>A, p.Ala139Thr (NM_001411143.1, NM_001322033.2); short protein forms A139T.
Identifiers: ClinVar variation 3352285 (VCV003352285.3).
Genomic context (GRCh38, chr19:38,704,951, plus strand): 5'-GTTTTAACGACCTTCTGCCCTCTGCCCCCTTCCCTGTGTGCAGAGATTGTGGACGGCAAC[G>A]CAAAGATGACCCTGGGAATGATCTGGACCATCATCCTTAGGTTCGCCATCCAGGACATCT-3'
Protein context (NP_004915.2, residues 129-149): IGAEEIVDGN[Ala139Thr]KMTLGMIWTI

ClinVar aggregate classification (germline): Uncertain significance. Review status: criteria provided, multiple submitters, no conflicts (2 of 4 stars). 3 submissions from 3 submitters: Uncertain significance (2). 1 of the submissions does not count toward it. Last evaluated 2024-02-19.

Conditions:
ACTN4-related disorder. Also called: ACTN4-related condition.
Focal segmental glomerulosclerosis 1 (FSGS1). Identifiers: Orphanet 656, MedGen C4551527, MONDO:0011303, OMIM 603278.
Nephrotic syndrome. Identifiers: MedGen C0027726, MONDO:0005377, HP:0000100.

gnomAD v4.1: 14 of 1,614,062 alleles (0.00087%); highest among the groups gnomAD compares: South Asian, 0.0077%; no homozygotes.

Submissions (3):

Fulgent Genetics
Classification: Uncertain significance for Focal segmental glomerulosclerosis 1. Last evaluated: 2024-02-19. Review status: criteria provided, single submitter. Criteria: ACMG Guidelines, 2015. Collection method: clinical testing. Allele origin: germline.

Molecular Genetics McLendon Clinical Laboratories, University of North Carolina at Chapel Hill
Classification: Uncertain significance for Nephrotic syndrome. Last evaluated: 2023-05-08. Review status: criteria provided, single submitter. Criteria: ACMG Guidelines, 2015. Collection method: clinical testing. Allele origin: germline.

PreventionGenetics, part of Exact Sciences
Classification: Uncertain significance for ACTN4-related condition. Last evaluated: 2024-05-03. Review status: no assertion criteria provided. Collection method: clinical testing. Allele origin: germline. Not counted in ClinVar's aggregate classification.
Comment: The ACTN4 c.415G>A variant is predicted to result in the amino acid substitution p.Ala139Thr. To our knowledge, this variant has not been reported in the literature. This variant is reported in 0.0065% of alleles in individuals of South Asian descent in gnomAD. At this time, the clinical significance of this variant is uncertain due to the absence of conclusive functional and genetic evidence.